The following is an entry in ClinVar:

ClinVar aggregate classification (germline): Uncertain significance (1 of 4 stars; one submission).

Submission:

GeneDx
Classification: Uncertain significance. Last evaluated: 2025-05-29. Review status: criteria provided, single submitter. Criteria: GeneDx Variant Classification Process June 2021. Collection method: clinical testing. Allele origin: germline. Affected: yes.
Comment: Not observed at significant frequency in large population cohorts (gnomAD); In silico analysis supports that this missense variant has a deleterious effect on protein structure/function; Has not been previously published as pathogenic or benign to our knowledge.

NM_001128840.3(CACNA1D):c.4465T>C (p.Trp1489Arg)

Gene: CACNA1D (calcium voltage-gated channel subunit alpha1 D; plus strand). Cytogenetic location: 3p21.1.
Variant type: single nucleotide variant.
Coding change: c.4465T>C on transcript NM_001128840.3 (MANE Select); coding-DNA position 4465, T replaced by C.
Protein change: p.Trp1489Arg; replaces tryptophan 1489 with arginine.
Molecular consequence: missense variant.
Genome position (GRCh38, 1-based): chr3:53,776,705, T>C. VCF-style: chr3-53776705-T-C. GRCh37 (hg19) VCF-style: chr3-53810732-T-C.
Other names: c.4525T>C, p.Trp1509Arg (NM_000720.4); c.4420T>C, p.Trp1474Arg (NM_001128839.3); short protein forms W1474R, W1489R, W1509R.
Identifiers: ClinVar variation 4532507 (VCV004532507.1).
Genomic context (GRCh38, chr3:53,776,705, plus strand): 5'-TATCTGACCCGGGACTGGTCTATTTTGGGGCCTCACCATTTAGATGAATTCAAAAGAATA[T>C]GGTCAGAATATGACCCTGAGGCAAAGTAGGTTGAAAAATATTTGATTTGGCGTGTGTGGG-3'
Protein context (NP_001122312.1, residues 1479-1499): PHHLDEFKRI[Trp1489Arg]SEYDPEAKGR